The following is an entry in ClinVar:

NM_014391.3(ANKRD1):c.346-15_346-14del

Gene: ANKRD1 (ankyrin repeat domain 1; minus strand). Cytogenetic location: 10q23.31.
Variant type: Deletion.
Coding change: c.346-15_346-14del on transcript NM_014391.3 (MANE Select); 15 bases into the intron before coding-DNA position 346 through 14 bases into the intron before coding-DNA position 346, 2 bases deleted (TT; older notation c.346-15_346-14delTT).
Molecular consequence: intron variant.
Genome position (GRCh38, 1-based): chr10:90,918,986-90,918,987, AA deleted on the plus strand (TT on the coding strand, the reverse complement: ANKRD1 is on the minus strand); deleting any 2 consecutive bases within chr10:90,918,986-90,918,988 gives the same sequence; the c. name uses the placement nearest the transcript's 3' end. VCF-style (leftmost placement, unchanged base first): chr10-90918985-TAA-T. GRCh37 (hg19) VCF-style: chr10-92678742-TAA-T.
Other names: NC_000010.10:g.92678744_92678745del; c.346-16_346-15delTT (NM_014391.2); c.346-16_346-15del (NM_014391.3); c.346-15_346-14delTT (NM_014391.2); c.346-19_346-14delinsTTAT (NM_014391.2).
Identifiers: ClinVar variation 201656 (VCV000201656.18), dbSNP rs794728971, ClinGen allele CA335059.
Genomic context (GRCh38, chr10:90,918,985, plus strand): 5'-ATTCTCCAGAGCAGCCTTCAGAAACGTAGGCACATCCACAGGTTCCGTCTAAAGCCAAAA[TAA>T]ATAAATATATATATATATATATATATATAGCATGAGAGTTACCGTGAGCTTGCCAGCATT-3'

ClinVar aggregate classification (germline): Benign/Likely benign. Review status: criteria provided, multiple submitters, no conflicts (2 of 4 stars). 8 submissions from 6 submitters: Benign (5); Likely benign (1). 2 of the submissions do not count toward it. Last evaluated 2026-02-04.

Conditions:
Congenital total pulmonary venous return anomaly (TAPVR1). Also called: Total anomalous pulmonary venous return; TOTAL ANOMALOUS PULMONARY VENOUS RETURN 1. Identifiers: Orphanet 99125, MedGen C4551903, MONDO:0007130, OMIM 106700, HP:0005160.
Cardiomyopathy (CMYO). Also called: Cardiomyopathies. Identifiers: Orphanet 167848, MedGen C0878544, MONDO:0004994, HP:0001638. Inheritance: Various modes of inheritance.
ANKRD1-related dilated cardiomyopathy. Identifiers: MedGen CN119551.
Primary dilated cardiomyopathy (DCM). Also called: Dilated Cardiomyopathy. Identifiers: Orphanet 217604, MedGen C0007193, MeSH D002311, MONDO:0005021, HP:0001644. Inheritance: Various modes of inheritance.

Submissions (11):

Labcorp Genetics (formerly Invitae), Labcorp
Classification: Benign for ANKRD1-related dilated cardiomyopathy. Last evaluated: 2026-02-04. Review status: criteria provided, single submitter. Criteria: Invitae Variant Classification Sherloc (09022015). Collection method: clinical testing. Allele origin: germline.

Blueprint Genetics
Classification: Likely benign. Last evaluated: 2024-11-27. Review status: criteria provided, single submitter. Criteria: ACMG Guidelines, 2015. Collection method: clinical testing. Allele origin: germline.

Women's Health and Genetics/Laboratory Corporation of America, LabCorp
Classification: Benign. Last evaluated: 2023-07-30. Review status: criteria provided, single submitter. Criteria: LabCorp Variant Classification Summary - May 2015. Collection method: clinical testing. Allele origin: germline.

Center for Advanced Laboratory Medicine, UC San Diego Health, University of California San Diego
Classification: Benign for Dilated cardiomyopathy. Last evaluated: 2019-06-11. Review status: criteria provided, single submitter. Criteria: ACMG Guidelines, 2015. Collection method: clinical testing. Allele origin: germline. Affected: yes. Observed: 1 variant allele.

Genome Diagnostics Laboratory, University Medical Center Utrecht
Classification: Benign for Congenital total pulmonary venous return anomaly. Last evaluated: 2016-11-28. Review status: criteria provided, single submitter. Criteria: ACGS Guidelines, 2013. Collection method: clinical testing. Allele origin: germline. Affected: yes. Study: VKGL Data-share Consensus.

GeneDx
Classification: Benign. Last evaluated: 2015-09-22. Review status: criteria provided, single submitter. Criteria: GeneDx Variant Classification (06012015). Collection method: clinical testing. Allele origin: germline. Affected: yes.
Comment: This variant is considered likely benign or benign based on one or more of the following criteria: it is a conservative change, it occurs at a poorly conserved position in the protein, it is predicted to be benign by multiple in silico algorithms, and/or has population frequency not consistent with disease.

Dr. Peter K. Rogan Lab, Western University
No classification provided (evidence only). Condition: Cholangiocarcinoma. Review status: no classification provided. Collection method: in vitro. Allele origin: not applicable. Functional consequence: retained intron. Not counted in ClinVar's aggregate classification.

Dr. Peter K. Rogan Lab, Western University
No classification provided (evidence only). Condition: Cholangiocarcinoma. Review status: no classification provided. Collection method: in vitro. Allele origin: not applicable. Functional consequence: skipped exon, retained intron. Not counted in ClinVar's aggregate classification.

Dr. Peter K. Rogan Lab, Western University
No classification provided (evidence only). Condition: Malignant tumor of esophagus. Review status: no classification provided. Collection method: in vitro. Allele origin: not applicable. Functional consequence: skipped exon, retained intron. Not counted in ClinVar's aggregate classification.

Genome Diagnostics Laboratory, University Medical Center Utrecht
Classification: Benign for Congenital total pulmonary venous return anomaly. Last evaluated: 2016-09-08. Review status: flagged submission. Criteria: ACGS Guidelines, 2013. Collection method: clinical testing. Allele origin: germline. Affected: yes. Study: VKGL Data-share Consensus. Not counted in ClinVar's aggregate classification.
ClinVar note: Reason: This record appears to be redundant with a more recent record from the same submitter.
ClinVar note: Notes: SCV000743706 appears to be redundant with SCV000743708.

GeneDx
Classification: Benign for Cardiomyopathy. Last evaluated: 2013-02-27. Review status: flagged submission. Criteria: GeneDx Variant Classification (06012015). Collection method: clinical testing. Allele origin: germline. Affected: yes. Not counted in ClinVar's aggregate classification.
Comment: The variant is found in DCM panel(s).
ClinVar note: Reason: This record appears to be redundant with a more recent record from the same submitter.
ClinVar note: Notes: SCV000235714 appears to be redundant with SCV000564555.